The following is an entry in ClinVar:

ClinVar aggregate classification (germline): Likely benign. Review status: criteria provided, multiple submitters, no conflicts (2 of 4 stars). 5 submissions from 5 submitters: Likely benign (5). Last evaluated 2025-08-05.

Conditions:
Aortic aneurysm, familial thoracic 6 (AAT6). Also called: FAMILIAL THORACIC AORTIC ANEURYSM WITH LIVEDO RETICULARIS AND IRIS FLOCCULI. Identifiers: MedGen C2673186, MONDO:0012730, OMIM 611788.
Familial thoracic aortic aneurysm and aortic dissection (TAAD). Also called: Thoracic aortic aneurysms and dissections. Identifiers: Orphanet 91387, MedGen C4707243, MONDO:0019625.

Allele frequency attached by ClinVar (database versions not stated): TOPMed 0.00001; ExAC 0.00002; gnomAD 0.00002; gnomAD exomes 0.00002.
gnomAD v4.1: 17 of 1,614,016 alleles (0.0011%); highest among the groups gnomAD compares: East Asian, 0.0067%; no homozygotes.

Submissions (5):

Labcorp Genetics (formerly Invitae), Labcorp
Classification: Likely benign for Aortic aneurysm, familial thoracic 6. Last evaluated: 2025-08-05. Review status: criteria provided, single submitter. Criteria: Invitae Variant Classification Sherloc (09022015). Collection method: clinical testing. Allele origin: germline.

All of Us Research Program, National Institutes of Health
Classification: Likely benign for Familial thoracic aortic aneurysm and aortic dissection. Last evaluated: 2023-08-15. Review status: criteria provided, single submitter. Criteria: ACMG Guidelines, 2015. Collection method: clinical testing. Allele origin: germline. Inheritance: Autosomal dominant inheritance. Observed: 3 variant alleles, 3 heterozygotes.
Comment: This study involves interpretation of variants in research participants for the purpose of population health screening. Participant phenotype was not available at the time of variant classification. Additional details can be found in publication PMID: 35346344, PMCID: PMC8962531

Ambry Genetics
Classification: Likely benign for Familial thoracic aortic aneurysm and aortic dissection. Last evaluated: 2021-12-16. Review status: criteria provided, single submitter. Criteria: Ambry Variant Classification Scheme 2023. Collection method: clinical testing. Allele origin: germline.

Blueprint Genetics
Classification: Likely benign. Last evaluated: 2021-11-02. Review status: criteria provided, single submitter. Criteria: ACMG Guidelines, 2015. Collection method: clinical testing. Allele origin: germline.

Color Diagnostics, LLC DBA Color Health
Classification: Likely benign for Familial thoracic aortic aneurysm and aortic dissection. Last evaluated: 2021-01-26. Review status: criteria provided, single submitter. Criteria: ACMG Guidelines, 2015. Collection method: clinical testing. Allele origin: germline.

NM_001613.4(ACTA2):c.729G>A (p.Glu243=)

Genes: ACTA2 (actin alpha 2, smooth muscle; minus strand), ACTA2-AS1 (ACTA2 antisense RNA 1; plus strand). Cytogenetic location: 10q23.31.
Variant type: single nucleotide variant.
Coding change: c.729G>A on transcript NM_001613.4 (MANE Select); coding-DNA position 729, G replaced by A.
Protein change: p.Glu243=; no amino-acid change (glutamic acid 243 retained).
Molecular consequence: synonymous variant. On other transcripts: non-coding transcript variant (1), intron variant (1).
Genome position (GRCh38, 1-based): chr10:88,939,586, C>T on the plus strand (G>A on the coding strand, the complement: ACTA2 is on the minus strand). VCF-style: chr10-88939586-C-T. GRCh37 (hg19) VCF-style: chr10-90699343-C-T.
Other names: c.729G>A, p.Glu243= (NM_001141945.3, NM_001320855.2, NM_001406462.1 and 2 more transcripts); c.618G>A, p.Glu206= (NM_001406466.1); c.600G>A, p.Glu200= (NM_001406467.1, NM_001406468.1, NM_001406469.1); c.617-1344G>A (NM_001406471.1).
Identifiers: ClinVar variation 1128867 (VCV001128867.16), dbSNP rs768077621, ClinGen allele CA029357.